The following is an entry in ClinVar:

ClinVar aggregate classification (germline): Uncertain significance (1 of 4 stars; one submission).

Conditions:
Hereditary hemorrhagic telangiectasia (HHT). Also called: ORW DISEASE; Osler Weber Rendu syndrome; OSLER-RENDU-WEBER DISEASE; Osler hemorrhagic telangiectasia syndrome. Identifiers: Orphanet 774, MedGen C0039445, MONDO:0019180. Disease mechanism: loss of function.

Submission:

Labcorp Genetics (formerly Invitae), Labcorp
Classification: Uncertain significance for Hereditary hemorrhagic telangiectasia. Last evaluated: 2025-09-02. Review status: criteria provided, single submitter. Criteria: Invitae Variant Classification Sherloc (09022015). Collection method: clinical testing. Allele origin: germline.
Comment: This sequence change falls in intron 2 of the ENG gene. It does not directly change the encoded amino acid sequence of the ENG protein. This variant is not present in population databases (gnomAD no frequency). This variant has not been reported in the literature in individuals affected with ENG-related conditions. ClinVar contains an entry for this variant (Variation ID: 2093759). Algorithms developed to predict the effect of sequence changes on RNA splicing suggest that this variant may disrupt the consensus splice site. In summary, the available evidence is currently insufficient to determine the role of this variant in disease. Therefore, it has been classified as a Variant of Uncertain Significance.

NM_001114753.3(ENG):c.220-12T>A

Gene: ENG (endoglin; minus strand). Cytogenetic location: 9q34.11.
Variant type: single nucleotide variant.
Coding change: c.220-12T>A on transcript NM_001114753.3 (MANE Select); 12 bases into the intron before coding-DNA position 220, T replaced by A.
Molecular consequence: intron variant.
Genome position (GRCh38, 1-based): chr9:127,829,839, A>T on the plus strand (T>A on the coding strand, the complement: ENG is on the minus strand). VCF-style: chr9-127829839-A-T. GRCh37 (hg19) VCF-style: chr9-130592118-A-T.
Other names: c.220-12T>A (NM_000118.4, NM_001406715.1); c.-327-12T>A (NM_001278138.2).
Identifiers: ClinVar variation 2093759 (VCV002093759.4), dbSNP rs2539083497, ClinGen allele CA2580079597.